The following is an entry in ClinVar:

ClinVar aggregate classification (germline): Conflicting classifications of pathogenicity. Review status: criteria provided, conflicting classifications (1 of 4 stars). 7 submissions from 7 submitters: Uncertain significance (2); Likely benign (2). 3 of the submissions do not count toward it. Last evaluated 2025-12-31.

Conditions:
IQCB1-related disorder. Also called: IQCB1-related condition.
Senior-Loken syndrome 5 (SLSN5). Identifiers: Orphanet 3156, MedGen C1836517, MONDO:0012225, OMIM 609254.
Nephronophthisis. Also called: Juvenile Nephronophthisis. Identifiers: Orphanet 655, MedGen C0687120, MONDO:0019005, HP:0000090.

Allele frequency attached by ClinVar (database versions not stated): TOPMed 0.00038; 1000 Genomes Project 0.00040; gnomAD 0.00040 and 0.00045; ESP Exome Variant Server 0.00046; 1000 Genomes Project 30x 0.00047; gnomAD exomes 0.00057; ExAC 0.00070.
gnomAD v4.1: 886 of 1,592,442 alleles (0.056%); highest among the groups gnomAD compares: South Asian, 0.29%; 4 homozygotes.

Submissions (7):

Labcorp Genetics (formerly Invitae), Labcorp
Classification: Likely benign for Nephronophthisis. Last evaluated: 2025-12-31. Review status: criteria provided, single submitter. Criteria: Invitae Variant Classification Sherloc (09022015). Collection method: clinical testing. Allele origin: germline.

Blueprint Genetics
Classification: Likely benign. Last evaluated: 2024-09-30. Review status: criteria provided, single submitter. Criteria: ACMG Guidelines, 2015. Collection method: clinical testing. Allele origin: germline.

GeneDx
Classification: Uncertain significance. Last evaluated: 2024-04-01. Review status: criteria provided, single submitter. Criteria: GeneDx Variant Classification Process June 2021. Collection method: clinical testing. Allele origin: germline. Affected: yes.
Comment: In silico analysis supports that this missense variant has a deleterious effect on protein structure/function; Has not been previously published as pathogenic or benign to our knowledge

Illumina Laboratory Services, Illumina
Classification: Uncertain significance for Senior-Loken syndrome 5. Last evaluated: 2018-01-13. Review status: criteria provided, single submitter. Criteria: ICSL Variant Classification Criteria 13 December 2019. Collection method: clinical testing. Allele origin: germline.

PreventionGenetics, part of Exact Sciences
Classification: Likely benign for IQCB1-related condition. Last evaluated: 2023-11-21. Review status: no assertion criteria provided. Collection method: clinical testing. Allele origin: germline. Not counted in ClinVar's aggregate classification.
Comment: This variant is classified as likely benign based on ACMG/AMP sequence variant interpretation guidelines (Richards et al. 2015 PMID: 25741868, with internal and published modifications).

Clinical Genetics, Academic Medical Center
Classification: Likely benign. Review status: no assertion criteria provided. Collection method: clinical testing. Allele origin: germline. Affected: yes. Study: VKGL Data-share Consensus. Not counted in ClinVar's aggregate classification.

Genome Diagnostics Laboratory, University Medical Center Utrecht
Classification: Likely benign. Review status: no assertion criteria provided. Collection method: clinical testing. Allele origin: germline. Affected: yes. Study: VKGL Data-share Consensus. Not counted in ClinVar's aggregate classification.

NM_001023570.4(IQCB1):c.782T>G (p.Leu261Arg)

Gene: IQCB1 (IQ motif containing B1; minus strand). Cytogenetic location: 3q13.33.
Variant type: single nucleotide variant.
Coding change: c.782T>G on transcript NM_001023570.4 (MANE Select); coding-DNA position 782, T replaced by G.
Protein change: p.Leu261Arg; replaces leucine 261 with arginine.
Molecular consequence: missense variant. On other transcripts: non-coding transcript variant (1), intron variant (1).
Genome position (GRCh38, 1-based): chr3:121,797,212, A>C on the plus strand (T>G on the coding strand, the complement: IQCB1 is on the minus strand). VCF-style: chr3-121797212-A-C. GRCh37 (hg19) VCF-style: chr3-121516059-A-C.
Other names: c.782T>G (NM_001023570.3); c.782T>G, p.Leu261Arg (NM_001319107.2); c.588-6997T>G (NM_001023571.4); short protein forms L261R.
Identifiers: ClinVar variation 695947 (VCV000695947.19), dbSNP rs199959360, ClinGen allele CA2567303.